The following is an entry in ClinVar:

ClinVar aggregate classification (germline): Uncertain significance. Review status: criteria provided, multiple submitters, no conflicts (2 of 4 stars). 4 submissions from 4 submitters: Uncertain significance (4). Last evaluated 2025-07-08.

Conditions:
TTN-related disorder. Also called: TTN-related condition; TTN-related disease; TTN-related disorders.

Allele frequency attached by ClinVar (database versions not stated): gnomAD 0.00001; TOPMed 0.00002.
gnomAD v4.1: 53 of 1,608,152 alleles (0.0033%); highest among the groups gnomAD compares: Middle Eastern, 0.017%; no homozygotes.

Submissions (4):

PreventionGenetics, part of Exact Sciences
Classification: Uncertain significance for TTN-related condition. Last evaluated: 2025-07-08. Review status: criteria provided, single submitter. Criteria: ACMG Guidelines, 2015. Collection method: clinical testing. Allele origin: germline.
Comment: The TTN c.55340C>T variant is predicted to result in the amino acid substitution p.Pro18447Leu. This variant has been observed in cohort studies of individuals with left ventricular noncompaction (Supplementary table S2 in Mazzarotto et al. 2021. PubMed ID: 33500567). This variant is reported in 0.014% of alleles in individuals of South Asian descent in gnomAD. At this time, the clinical significance of this variant is uncertain due to the absence of conclusive functional and genetic evidence.

Women's Health and Genetics/Laboratory Corporation of America, LabCorp
Classification: Uncertain significance. Last evaluated: 2023-01-09. Review status: criteria provided, single submitter. Criteria: LabCorp Variant Classification Summary - May 2015. Collection method: clinical testing. Allele origin: germline.
Comment: Variant summary: TTN c.47636C>T (p.Pro15879Leu) results in a non-conservative amino acid change located in the A-band of the encoded protein sequence. Four of five in-silico tools predict a damaging effect of the variant on protein function. The variant allele was found at a frequency of 2.5e-05 in 243424 control chromosomes. The available data on variant occurrences in the general population are insufficient to allow any conclusion about variant significance. c.47636C>T has been reported in the literature in at least one individual affected with Cardiomyopathy. This report does not provide unequivocal conclusions about association of the variant with Dilated Cardiomyopathy. To our knowledge, no experimental evidence demonstrating an impact on protein function has been reported. No clinical diagnostic laboratories have submitted clinical-significance assessments for this variant to ClinVar after 2014. Based on the evidence outlined above, the variant was classified as uncertain significance.

GeneDx
Classification: Uncertain significance. Last evaluated: 2014-03-28. Review status: criteria provided, single submitter. Criteria: GeneDx Variant Classification (06012015). Collection method: clinical testing. Allele origin: germline. Affected: yes.
Comment: Missense variants in the TTN gene are considered 'unclassified' if they are not previously reported in the literature and do not have >1% frequency in the population to be considered a polymorphism. Research indicates that truncating mutations in the TTN gene are expected to account for approximately 25% of familial and 18% of sporadic idiopathic DCM; however, truncating variants in the TTN gene have been reported in approximately 3% of reported control alleles. There has been little investigation into non-truncating variants. (Herman D et al. Truncations of titin causing dilated cardiomyopathy. N Eng J Med 366:619-628, 2012) The variant is found in CARDIOMYOPATHY panel(s).

Laboratory for Molecular Medicine, Mass General Brigham Personalized Medicine
Classification: Uncertain significance. Last evaluated: 2011-12-23. Review status: criteria provided, single submitter. Criteria: LMM Criteria. Collection method: clinical testing. Allele origin: germline. Observed: 1 variant allele.
Comment: The Pro15879Leu variant (TTN) has not been previously reported nor previously id entified by our laboratory. Proline (Pro) at position 15879 is not conserved in some mammals, increasing the likelihood that a change would be tolerated. Comput ational predictions on the impact to the protein are mixed (AlignGVGD = inconclu sive, SIFT = pathogenic), though the accuracy of these tools is unknown. Additio nal information is needed to fully assess the clinical significance of the Pro15 879Leu variant.

Literature cited by the submitters: PubMed 33500567 (cited by Women's Health and Genetics/Laboratory Corporation of America, LabCorp).

NM_001267550.2(TTN):c.55340C>T (p.Pro18447Leu)

Genes: TTN (titin; minus strand), TTN-AS1 (TTN antisense RNA 1; plus strand). Cytogenetic location: 2q31.2.
Variant type: single nucleotide variant.
Coding change: c.55340C>T on transcript NM_001267550.2 (MANE Select); coding-DNA position 55340, C replaced by T.
Protein change: p.Pro18447Leu; replaces proline 18447 with leucine.
Molecular consequence: missense variant.
Genome position (GRCh38, 1-based): chr2:178,601,750, G>A on the plus strand (C>T on the coding strand, the complement: TTN is on the minus strand). VCF-style: chr2-178601750-G-A. GRCh37 (hg19) VCF-style: chr2-179466477-G-A.
Other names: p.P16806L:CCG>CTG; c.50417C>T, p.Pro16806Leu (NM_001256850.1); c.47636C>T, p.Pro15879Leu (NM_133378.4); c.28145C>T, p.Pro9382Leu (NM_003319.4); c.28520C>T, p.Pro9507Leu (NM_133432.3); c.28721C>T, p.Pro9574Leu (NM_133437.4); short protein forms P18447L, P15879L, P16806L, P9507L, P9382L, P9574L.
Identifiers: ClinVar variation 47104 (VCV000047104.55), dbSNP rs397517622, ClinGen allele CA140017.
Genomic context (GRCh38, chr2:178,601,750, plus strand): 5'-TGTCCTGCTTTATTCTTGGCTGTGATGCTGTATTTGCCTGTATGAGATCGTTTACACTCC[G>A]GAATAATAATTACTGAGGAGTTTTCAGCAGTCTCCAGCTGTACAAAGAAAATAGTAGTCA-3'
Protein context (NP_001254479.2, residues 18437-18457): TAENSSVIII[Pro18447Leu]ECKRSHTGKY